The following is an entry in ClinVar:

ClinVar aggregate classification (germline): Uncertain significance (1 of 4 stars; one submission).

Submission:

GeneDx
Classification: Uncertain significance. Last evaluated: 2017-03-06. Review status: criteria provided, single submitter. Criteria: GeneDx Variant Classification (06012015). Collection method: clinical testing. Allele origin: germline. Affected: yes.
Comment: The N86K variant in the TTBK2 gene has not been reported previously as a pathogenic variant, nor as a benign variant, to our knowledge. The N86K variant is not observed in large population cohorts (Lek et al., 2016; 1000 Genomes Consortium et al., 2015; Exome Variant Server). The N86K variant is a semi-conservative amino acid substitution, which may impact secondary protein structure as these residues differ in some properties. This substitution occurs at a position that is conserved across species. In silico analysis predicts this variant is probably damaging to the protein structure/function. We interpret N86K as a variant of uncertain significance.

NM_173500.4(TTBK2):c.258T>A (p.Asn86Lys)

Gene: TTBK2 (tau tubulin kinase 2; minus strand). Cytogenetic location: 15q15.2.
Variant type: single nucleotide variant.
Coding change: c.258T>A on transcript NM_173500.4 (MANE Select); coding-DNA position 258, T replaced by A.
Protein change: p.Asn86Lys; replaces asparagine 86 with lysine.
Molecular consequence: missense variant.
Genome position (GRCh38, 1-based): chr15:42,840,393, A>T on the plus strand (T>A on the coding strand, the complement: TTBK2 is on the minus strand). VCF-style: chr15-42840393-A-T. GRCh37 (hg19) VCF-style: chr15-43132591-A-T.
Other names: short protein forms N86K.
Identifiers: ClinVar variation 423990 (VCV000423990.2), dbSNP rs769666619, ClinGen allele CA7517523.
Genomic context (GRCh38, chr15:42,840,393, plus strand): 5'-TAAAGATACGTTTTCAAGGTAACCTACCTGCAACTGCATGACCACATAGTTGAATCGATC[A>T]TTCCTCCCACAGCCAATAAATCTACAAACATGGTCTTTCCCTGGATAAAAAAAGAAAACA-3'
Protein context (NP_775771.3, residues 76-96): HVCRFIGCGR[Asn86Lys]DRFNYVVMQL